The following is an entry in ClinVar:

ClinVar aggregate classification (germline): Likely benign (1 of 4 stars; one submission).

Allele frequency attached by ClinVar (database versions not stated): gnomAD exomes 0.00001; ExAC 0.00003; TOPMed 0.00003.

Submission:

CeGaT Center for Human Genetics Tuebingen
Classification: Likely benign. Last evaluated: 2022-03-01. Review status: criteria provided, single submitter. Criteria: CeGaT Center For Human Genetics Tuebingen Variant Classification Criteria Version 2. Collection method: clinical testing. Allele origin: germline. Affected: yes. Observed: 1 variant allele.
Comment: DMGDH: BP4, BP7

NM_013391.3(DMGDH):c.2545T>C (p.Leu849=)

Genes: DMGDH (dimethylglycine dehydrogenase; minus strand), LOC126807431 (BRD4-independent group 4 enhancer GRCh37_chr5:78293710-78294909; plus strand). Cytogenetic location: 5q14.1.
Variant type: single nucleotide variant.
Coding change: c.2545T>C on transcript NM_013391.3 (MANE Select); coding-DNA position 2545, T replaced by C.
Protein change: p.Leu849=; no amino-acid change (leucine 849 retained).
Molecular consequence: synonymous variant.
Genome position (GRCh38, 1-based): chr5:78,998,138, A>G on the plus strand (T>C on the coding strand, the complement: DMGDH is on the minus strand). VCF-style: chr5-78998138-A-G. GRCh37 (hg19) VCF-style: chr5-78293961-A-G.
Identifiers: ClinVar variation 2655554 (VCV002655554.24), dbSNP rs758211845, ClinGen allele CA3318400.